The following is an entry in ClinVar:

ClinVar aggregate classification (germline): Likely benign. Review status: criteria provided, multiple submitters, no conflicts (2 of 4 stars). 5 submissions from 5 submitters: Likely benign (4). 1 of the submissions does not count toward it. Last evaluated 2026-01-14.

Conditions:
LAMA4-related disorder. Also called: LAMA4-related condition.
Dilated cardiomyopathy 1JJ (CMD1JJ). Identifiers: Orphanet 154, MedGen C3808935, MONDO:0014095, OMIM 615235.
Cardiomyopathy (CMYO). Also called: Cardiomyopathies. Identifiers: Orphanet 167848, MedGen C0878544, MONDO:0004994, HP:0001638. Inheritance: Various modes of inheritance.
Cardiovascular phenotype. Identifiers: MedGen CN230736.

Allele frequency attached by ClinVar (database versions not stated): gnomAD 0.00014; 1000 Genomes Project 30x 0.00016; 1000 Genomes Project 0.00020; ESP Exome Variant Server 0.00031; TOPMed 0.00012.
gnomAD v4.1: 485 of 1,614,078 alleles (0.03%); highest among the groups gnomAD compares: Non-Finnish European, 0.04%; no homozygotes.

Submissions (5):

Labcorp Genetics (formerly Invitae), Labcorp
Classification: Likely benign for Dilated cardiomyopathy 1JJ. Last evaluated: 2026-01-14. Review status: criteria provided, single submitter. Criteria: Invitae Variant Classification Sherloc (09022015). Collection method: clinical testing. Allele origin: germline.

Ambry Genetics
Classification: Likely benign for Cardiovascular phenotype. Last evaluated: 2019-09-10. Review status: criteria provided, single submitter. Criteria: Ambry Variant Classification Scheme 2023. Collection method: clinical testing. Allele origin: germline.

CHEO Genetics Diagnostic Laboratory, Children's Hospital of Eastern Ontario
Classification: Likely benign for Cardiomyopathy. Last evaluated: 2019-03-22. Review status: criteria provided, single submitter. Criteria: ACMG Guidelines, 2015. Collection method: clinical testing. Allele origin: germline.

GeneDx
Classification: Likely benign. Last evaluated: 2017-10-20. Review status: criteria provided, single submitter. Criteria: GeneDx Variant Classification (06012015). Collection method: clinical testing. Allele origin: germline. Affected: yes.
Comment: This variant is considered likely benign or benign based on one or more of the following criteria: it is a conservative change, it occurs at a poorly conserved position in the protein, it is predicted to be benign by multiple in silico algorithms, and/or has population frequency not consistent with disease.

PreventionGenetics, part of Exact Sciences
Classification: Likely benign for LAMA4-related condition. Last evaluated: 2019-03-05. Review status: no assertion criteria provided. Collection method: clinical testing. Allele origin: germline. Not counted in ClinVar's aggregate classification.
Comment: This variant is classified as likely benign based on ACMG/AMP sequence variant interpretation guidelines (Richards et al. 2015 PMID: 25741868, with internal and published modifications).

NM_001105206.3(LAMA4):c.873C>T (p.Ile291=)

Gene: LAMA4 (laminin subunit alpha 4; minus strand). Cytogenetic location: 6q21.
Variant type: single nucleotide variant.
Coding change: c.873C>T on transcript NM_001105206.3 (MANE Select); coding-DNA position 873, C replaced by T.
Protein change: p.Ile291=; no amino-acid change (isoleucine 291 retained).
Molecular consequence: synonymous variant.
Genome position (GRCh38, 1-based): chr6:112,187,543, G>A on the plus strand (C>T on the coding strand, the complement: LAMA4 is on the minus strand). VCF-style: chr6-112187543-G-A. GRCh37 (hg19) VCF-style: chr6-112508745-G-A.
Other names: c.852C>T (LRG_433t2); c.852C>T, p.Ile284= (NM_001105207.3, NM_002290.5).
Identifiers: ClinVar variation 512732 (VCV000512732.17), dbSNP rs141611768, ClinGen allele CA3966003.